The following is an entry in ClinVar:

NM_007294.4(BRCA1):c.520C>G (p.Gln174Glu)

Gene: BRCA1 (BRCA1 DNA repair associated; minus strand). Cytogenetic location: 17q21.31.
Variant type: single nucleotide variant.
Coding change: c.520C>G on transcript NM_007294.4 (MANE Select); coding-DNA position 520, C replaced by G.
Protein change: p.Gln174Glu; replaces glutamine 174 with glutamic acid.
Molecular consequence: missense variant. On other transcripts: intron variant (2).
Genome position (GRCh38, 1-based): chr17:43,099,802, G>C on the plus strand (C>G on the coding strand, the complement: BRCA1 is on the minus strand). VCF-style: chr17-43099802-G-C. GRCh37 (hg19) VCF-style: chr17-41251819-G-C.
Other names: c.307C>G, p.Gln103Glu (NM_001407571.1, NM_001407917.1, NM_001407918.1 and 18 more transcripts); c.520C>G, p.Gln174Glu (NM_001407581.1, NM_001407582.1, NM_001407583.1 and 97 more transcripts); c.517C>G, p.Gln173Glu (NM_001407587.1, NM_001407590.1, NM_001407591.1 and 65 more transcripts); c.442C>G, p.Gln148Glu (NM_001407653.1, NM_001407654.1, NM_001407655.1 and 12 more transcripts); c.439C>G, p.Gln147Glu (NM_001407659.1, NM_001407660.1, NM_001407874.1 and 6 more transcripts); c.379C>G, p.Gln127Glu (NM_001407692.1, NM_001407694.1, NM_001407695.1 and 61 more transcripts); c.376C>G, p.Gln126Glu (NM_001407740.1, NM_001407741.1, NM_001407742.1 and 35 more transcripts); c.310C>G, p.Gln104Glu (NM_001407879.1, NM_001407881.1, NM_001407882.1 and 37 more transcripts); and 5 more; short protein forms Q103E, Q104E, Q126E, Q127E, Q129E, Q147E, Q148E, Q171E.
Identifiers: ClinVar variation 3240944 (VCV003240944.3), dbSNP rs1567806048.

ClinVar aggregate classification (germline): Uncertain significance. Review status: criteria provided, multiple submitters, no conflicts (2 of 4 stars). 2 submissions from 2 submitters: Uncertain significance (2). Last evaluated 2024-09-05.

Conditions:
Hereditary breast ovarian cancer syndrome. Also called: Breast and ovarian cancer; Hereditary breast and/or ovarian cancer syndrome; BRCA1- and BRCA2-Associated Hereditary Breast and Ovarian Cancer; Hereditary breast and ovarian cancer syndrome; Hereditary breast and ovarian cancer; Hereditary breast and ovarian cancer syndrome (HBOC). Identifiers: Orphanet 145, MedGen C0677776, MeSH D061325, MONDO:0003582. Disease mechanism: loss of function.
Breast-ovarian cancer, familial, susceptibility to, 1 (BROVCA1). Also called: BRCA1 Hereditary Breast and Ovarian Cancer; OVARIAN CANCER, SUSCEPTIBILITY TO. Identifiers: Orphanet 145, MedGen C2676676, MONDO:0011450, OMIM 604370. Disease mechanism: loss of function.

Submissions (2):

Labcorp Genetics (formerly Invitae), Labcorp
Classification: Uncertain significance for Hereditary breast ovarian cancer syndrome. Last evaluated: 2024-09-05. Review status: criteria provided, single submitter. Criteria: Invitae Variant Classification Sherloc (09022015). Collection method: clinical testing. Allele origin: germline.
Comment: This sequence change replaces glutamine, which is neutral and polar, with glutamic acid, which is acidic and polar, at codon 174 of the BRCA1 protein (p.Gln174Glu). This variant is not present in population databases (gnomAD no frequency). This variant has not been reported in the literature in individuals affected with BRCA1-related conditions. Invitae Evidence Modeling of protein sequence and biophysical properties (such as structural, functional, and spatial information, amino acid conservation, physicochemical variation, residue mobility, and thermodynamic stability) indicates that this missense variant is not expected to disrupt BRCA1 protein function with a negative predictive value of 95%. In summary, the available evidence is currently insufficient to determine the role of this variant in disease. Therefore, it has been classified as a Variant of Uncertain Significance.

Baylor Genetics
Classification: Uncertain significance for Breast-ovarian cancer, familial, susceptibility to, 1. Last evaluated: 2023-12-07. Review status: criteria provided, single submitter. Criteria: ACMG Guidelines, 2015. Collection method: clinical testing. Allele origin: unknown.